The following is an entry in ClinVar:

ClinVar aggregate classification (germline): Pathogenic/Likely pathogenic. Review status: criteria provided, multiple submitters, no conflicts (2 of 4 stars). 2 submissions from 2 submitters: Pathogenic (1); Likely pathogenic (1). Last evaluated 2024-01-04.

Conditions:
Beckwith-Wiedemann syndrome (BWS). Also called: EMG SYNDROME; Exomphalos macroglossia gigantism syndrome. Identifiers: Orphanet 116, MedGen C0004903, MONDO:0007534, OMIM 130650.

Submissions (2):

Labcorp Genetics (formerly Invitae), Labcorp
Classification: Pathogenic for Beckwith-Wiedemann syndrome. Last evaluated: 2024-01-04. Review status: criteria provided, single submitter. Criteria: Invitae Variant Classification Sherloc (09022015). Collection method: clinical testing. Allele origin: germline.
Comment: This sequence change creates a premature translational stop signal (p.Val141Serfs*131) in the CDKN1C gene. It is expected to result in an absent or disrupted protein product. Loss-of-function variants in CDKN1C are known to be pathogenic (PMID: 20503313). This variant is not present in population databases (gnomAD no frequency). This variant has not been reported in the literature in individuals affected with CDKN1C-related conditions. ClinVar contains an entry for this variant (Variation ID: 2438969). For these reasons, this variant has been classified as Pathogenic.

Revvity Omics, Revvity
Classification: Likely pathogenic. Last evaluated: 2021-12-28. Review status: criteria provided, single submitter. Criteria: ACMG Guidelines, 2015. Collection method: clinical testing. Allele origin: germline.

Literature cited by the submitters: PubMed 20503313 (cited by Labcorp Genetics (formerly Invitae), Labcorp).

NM_001122630.2(CDKN1C):c.388del (p.Val130fs)

Gene: CDKN1C (cyclin dependent kinase inhibitor 1C; minus strand). Cytogenetic location: 11p15.4.
Variant type: Deletion.
Coding change: c.388del on transcript NM_001122630.2 (MANE Select); coding-DNA position 388, one base deleted (G; older notation c.388delG).
Protein change: p.Val130fs; shifts the reading frame from valine 130.
Molecular consequence: frameshift variant. On other transcripts: intron variant (1).
Genome position (GRCh38, 1-based): chr11:2,885,069, C deleted on the plus strand (G on the coding strand, the reverse complement: CDKN1C is on the minus strand); the first of 2 consecutive C bases (chr11:2,885,069-2,885,070); deleting either gives the same sequence. VCF-style (leftmost placement, unchanged base first): chr11-2885068-AC-A. GRCh37 (hg19) VCF-style: chr11-2906298-AC-A.
Other names: c.421del, p.Val141fs (NM_000076.2, NM_001362474.2); c.388del, p.Val130fs (NM_001122631.2); c.255+133del (NM_001362475.2); short protein forms V130fs, V141fs.
Identifiers: ClinVar variation 2438969 (VCV002438969.6), dbSNP rs2494388249, ClinGen allele CA2580082684.